The following is an entry in ClinVar:

NM_012188.5(FOXI1):c.726C>T (p.Ser242=)

Gene: FOXI1 (forkhead box I1; plus strand). Cytogenetic location: 5q35.1.
Variant type: single nucleotide variant.
Coding change: c.726C>T on transcript NM_012188.5 (MANE Select); coding-DNA position 726, C replaced by T.
Protein change: p.Ser242=; no amino-acid change (serine 242 retained).
Molecular consequence: synonymous variant. On other transcripts: intron variant (1).
Genome position (GRCh38, 1-based): chr5:170,108,200, C>T. VCF-style: chr5-170108200-C-T. GRCh37 (hg19) VCF-style: chr5-169535204-C-T.
Other names: p.Ser242=; c.575-134C>T (NM_144769.4).
Identifiers: ClinVar variation 195276 (VCV000195276.56), dbSNP rs35678180, ClinGen allele CA201657.

ClinVar aggregate classification (germline): Conflicting classifications of pathogenicity. Review status: criteria provided, conflicting classifications (1 of 4 stars). 8 submissions from 8 submitters: Uncertain significance (1); Benign (2); Likely benign (4). 1 of the submissions does not count toward it. Last evaluated 2026-02-04.

Conditions:
FOXI1-related disorder. Also called: FOXI1-related condition.
Autosomal recessive nonsyndromic hearing loss 4 (DFNB4). Also called: Nonsyndromic enlarged vestibular aqueduct (NSEVA); FOXI1-Related Pendred Syndrome; KCNJ10-Related Pendred Syndrome; DEAFNESS, AUTOSOMAL RECESSIVE 4, WITH ENLARGED VESTIBULAR AQUEDUCT, DIGENIC; NEUROSENSORY NONSYNDROMIC RECESSIVE DEAFNESS 4; Deafness, autosomal recessive 4, with enlarged vestibular aqueduct. Identifiers: Orphanet 90636, MedGen C3538946, MONDO:0010933, OMIM 600791.

Allele frequency attached by ClinVar (database versions not stated): 1000 Genomes Project 30x 0.00141; gnomAD 0.00470 and 0.00520; ESP Exome Variant Server 0.00507; gnomAD exomes 0.00529; TOPMed 0.00529; ExAC 0.00534; 1000 Genomes Project 0.00140.
gnomAD v4.1: 10,263 of 1,614,196 alleles (0.64%); highest among the groups gnomAD compares: Non-Finnish European, 0.74%; 54 homozygotes.

Submissions (8):

Labcorp Genetics (formerly Invitae), Labcorp
Classification: Benign. Last evaluated: 2026-02-04. Review status: criteria provided, single submitter. Criteria: Invitae Variant Classification Sherloc (09022015). Collection method: clinical testing. Allele origin: germline.

Mayo Clinic Laboratories, Mayo Clinic
Classification: Benign. Last evaluated: 2025-10-07. Review status: criteria provided, single submitter. Criteria: ACMG Guidelines, 2015. Collection method: clinical testing. Allele origin: germline. Observed: 5 variant alleles.
Comment: BA1, BS2, BP4, BP7

CeGaT Center for Human Genetics Tuebingen
Classification: Likely benign. Last evaluated: 2023-07-01. Review status: criteria provided, single submitter. Criteria: CeGaT Center For Human Genetics Tuebingen Variant Classification Criteria Version 2. Collection method: clinical testing. Allele origin: germline. Affected: yes. Observed: 3 variant alleles.
Comment: FOXI1: BP4, BP7, BS2

GeneDx
Classification: Likely benign. Last evaluated: 2021-01-21. Review status: criteria provided, single submitter. Criteria: GeneDx Variant Classification Process June 2021. Collection method: clinical testing. Allele origin: germline. Affected: yes.
Comment: This variant is associated with the following publications: (PMID: 20621367, 31243244)

Athena Diagnostics
Classification: Likely benign. Last evaluated: 2018-11-09. Review status: criteria provided, single submitter. Criteria: Athena Diagnostics Criteria. Collection method: clinical testing. Allele origin: germline.

Illumina Laboratory Services, Illumina
Classification: Uncertain significance for Autosomal recessive nonsyndromic hearing loss 4. Last evaluated: 2017-04-27. Review status: criteria provided, single submitter. Criteria: ICSL Variant Classification Criteria 13 December 2019. Collection method: clinical testing. Allele origin: germline.
Comment: This variant was observed as part of a predisposition screen in an ostensibly healthy population. A literature search was performed for the gene, cDNA change, and amino acid change (where applicable). Publications were found based on this search. However, the evidence from the literature, in combination with allele frequency data from public databases where available, was not sufficient to rule this variant in or out of causing disease. Therefore, this variant is classified as a variant of unknown significance.

Eurofins Ntd Llc (ga)
Classification: Likely benign. Last evaluated: 2015-02-09. Review status: criteria provided, single submitter. Criteria: EGL Classification Definitions 2015. Collection method: clinical testing. Allele origin: germline. Observed: 1 variant allele, 1 heterozygote.

PreventionGenetics, part of Exact Sciences
Classification: Benign for FOXI1-related condition. Last evaluated: 2019-06-15. Review status: no assertion criteria provided. Collection method: clinical testing. Allele origin: germline. Not counted in ClinVar's aggregate classification.
Comment: This variant is classified as benign based on ACMG/AMP sequence variant interpretation guidelines (Richards et al. 2015 PMID: 25741868, with internal and published modifications).

Literature cited by the submitters: PubMed 20621367 (cited by 3 submitters); PubMed 31243244 (cited by Mayo Clinic Laboratories, Mayo Clinic).